The following is an entry in ClinVar:

ClinVar aggregate classification (germline): Uncertain significance (0 of 4 stars; one submission).

Conditions:
SEMA3B-related disorder. Also called: SEMA3B-related condition.

gnomAD v4.1: 4 of 1,549,836 alleles (0.00026%); highest among the groups gnomAD compares: South Asian, 0.005%; no homozygotes.

Submission:

PreventionGenetics, part of Exact Sciences
Classification: Uncertain significance for SEMA3B-related condition. Last evaluated: 2024-08-14. Review status: no assertion criteria provided. Collection method: clinical testing. Allele origin: germline.
Comment: The SEMA3B c.1265G>A variant is predicted to result in the amino acid substitution p.Gly422Glu. To our knowledge, this variant has not been reported in the literature. This variant is reported in 0.010% of alleles in individuals of South Asian descent in gnomAD. At this time, the clinical significance of this variant is uncertain due to the absence of conclusive functional and genetic evidence.

NM_001290060.2(SEMA3B):c.1250G>A (p.Gly417Glu)

Gene: SEMA3B (semaphorin 3B; plus strand). Cytogenetic location: 3p21.31.
Variant type: single nucleotide variant.
Coding change: c.1250G>A on transcript NM_001290060.2 (MANE Select); coding-DNA position 1250, G replaced by A.
Protein change: p.Gly417Glu; replaces glycine 417 with glutamic acid.
Molecular consequence: missense variant. On other transcripts: non-coding transcript variant (1).
Genome position (GRCh38, 1-based): chr3:50,274,475, G>A. VCF-style: chr3-50274475-G-A. GRCh37 (hg19) VCF-style: chr3-50311906-G-A.
Other names: c.1247G>A, p.Gly416Glu (NM_001005914.3); c.1265G>A, p.Gly422Glu (NM_001290061.1); c.221G>A, p.Gly74Glu (NM_001290062.2, NM_001290063.2); c.1250G>A, p.Gly417Glu (NM_004636.4); short protein forms G416E, G417E, G422E, G74E.
Identifiers: ClinVar variation 3354889 (VCV003354889.1).